The following is an entry in ClinVar:

NM_144997.7(FLCN):c.382A>G (p.Ser128Gly)

Gene: FLCN (folliculin; minus strand). Cytogenetic location: 17p11.2.
Variant type: single nucleotide variant.
Coding change: c.382A>G on transcript NM_144997.7 (MANE Select); coding-DNA position 382, A replaced by G.
Protein change: p.Ser128Gly; replaces serine 128 with glycine.
Molecular consequence: missense variant.
Genome position (GRCh38, 1-based): chr17:17,226,190, T>C on the plus strand (A>G on the coding strand, the complement: FLCN is on the minus strand). VCF-style: chr17-17226190-T-C. GRCh37 (hg19) VCF-style: chr17-17129504-T-C.
Other names: c.382A>G, p.Ser128Gly (NM_001353229.2, NM_001353230.2, NM_001353231.2 and 1 more transcripts); short protein forms S128G.
Identifiers: ClinVar variation 5021833 (VCV005021833.1).

ClinVar aggregate classification (germline): Uncertain significance (1 of 4 stars; one submission).

Conditions:
Hereditary cancer-predisposing syndrome. Also called: Neoplastic Syndromes, Hereditary; Tumor predisposition; Hereditary neoplastic syndrome; Hereditary Cancer Syndrome. Identifiers: Orphanet 140162, MedGen C0027672, MeSH D009386, MONDO:0015356.

Submission:

Ambry Genetics
Classification: Uncertain significance for Hereditary cancer-predisposing syndrome. Last evaluated: 2026-07-06. Review status: criteria provided, single submitter. Criteria: Ambry Variant Classification Scheme 2023. Collection method: clinical testing. Allele origin: germline.
Comment: The p.S128G variant (also known as c.382A>G), located in coding exon 2 of the FLCN gene, results from an A to G substitution at nucleotide position 382. The serine at codon 128 is replaced by glycine, an amino acid with similar properties. This amino acid position is conserved. In addition, this alteration is predicted to be deleterious by in silico analysis. Based on the available evidence, the clinical significance of this variant remains unclear.